The following is an entry in ClinVar:

ClinVar aggregate classification (germline): Benign (1 of 4 stars; one submission).

Allele frequency attached by ClinVar (database versions not stated): TOPMed 0.16757; gnomAD 0.17866 and 0.18025; 1000 Genomes Project 0.18431; 1000 Genomes Project 30x 0.19082.
gnomAD v4.1: 26,951 of 151,806 alleles (18%); highest among the groups gnomAD compares: African/African-American, 27%; 2,768 homozygotes.

Submission:

GeneDx
Classification: Benign. Last evaluated: 2018-06-14. Review status: criteria provided, single submitter. Criteria: GeneDx Variant Classification (06012015). Collection method: clinical testing. Allele origin: germline. Affected: yes.
Comment: This variant is considered likely benign or benign based on one or more of the following criteria: it is a conservative change, it occurs at a poorly conserved position in the protein, it is predicted to be benign by multiple in silico algorithms, and/or has population frequency not consistent with disease.

NM_020822.3(KCNT1):c.255-164A>G

Gene: KCNT1 (potassium sodium-activated channel subfamily T member 1; plus strand). Cytogenetic location: 9q34.3.
Variant type: single nucleotide variant.
Coding change: c.255-164A>G on transcript NM_020822.3 (MANE Select); 164 bases into the intron before coding-DNA position 255, A replaced by G.
Molecular consequence: intron variant.
Genome position (GRCh38, 1-based): chr9:135,749,934, A>G. VCF-style: chr9-135749934-A-G. GRCh37 (hg19) VCF-style: chr9-138641780-A-G.
Other names: c.111-164A>G (NM_001272003.2).
Identifiers: ClinVar variation 682091 (VCV000682091.1), dbSNP rs11103161, ClinGen allele CA13003862.
Genomic context (GRCh38, chr9:135,749,934, plus strand): 5'-AGGAATCTTCAGAGGAGCCGAGGCTGGGTCGGCTGTCTGCTGGGTGTGACGGACCCCAGG[A>G]CCCTCCTGGGTCTGAGGTGGAGGGAGTGGTCCTGCTGGGCCCTGACTTCTCAACTCCTGC-3'